The following is an entry in ClinVar:

ClinVar aggregate classification (germline): Conflicting classifications of pathogenicity. Review status: criteria provided, conflicting classifications (1 of 4 stars). 3 submissions from 3 submitters: Uncertain significance (1); Likely benign (2). Last evaluated 2026-01-28.

Conditions:
SLC7A9-related disorder. Also called: SLC7A9-related condition.
Cystinuria (CSNU). Also called: CYSTINURIA, TYPE I; CYSTINURIA, TYPE II; CYSTINURIA, TYPE III; Cystinuria, non-type I. Identifiers: Orphanet 214, MedGen C0010691, MONDO:0009067, OMIM 220100, HP:0003131.

Allele frequency attached by ClinVar (database versions not stated): 1000 Genomes Project 0.00100; gnomAD exomes 0.00005 and 0.00011; ExAC 0.00007; ESP Exome Variant Server 0.00008; TOPMed 0.00012; gnomAD 0.00016 and 0.00019; 1000 Genomes Project 30x 0.00094.
gnomAD v4.1: 114 of 1,614,184 alleles (0.0071%); highest among the groups gnomAD compares: East Asian, 0.078%; no homozygotes.

Submissions (3):

Labcorp Genetics (formerly Invitae), Labcorp
Classification: Likely benign. Last evaluated: 2026-01-28. Review status: criteria provided, single submitter. Criteria: Invitae Variant Classification Sherloc (09022015). Collection method: clinical testing. Allele origin: germline.

PreventionGenetics, part of Exact Sciences
Classification: Likely benign for SLC7A9-related condition. Last evaluated: 2024-12-19. Review status: criteria provided, single submitter. Criteria: ACMG Guidelines, 2015. Collection method: clinical testing. Allele origin: germline.
Comment: This variant is classified as likely benign based on ACMG/AMP sequence variant interpretation guidelines (Richards et al. 2015 PMID: 25741868, with internal and published modifications).

Illumina Laboratory Services, Illumina
Classification: Uncertain significance for Cystinuria. Last evaluated: 2017-04-27. Review status: criteria provided, single submitter. Criteria: ICSL Variant Classification Criteria 13 December 2019. Collection method: clinical testing. Allele origin: germline.

NM_014270.5(SLC7A9):c.369G>A (p.Thr123=)

Gene: SLC7A9 (solute carrier family 7 member 9; minus strand). Cytogenetic location: 19q13.11.
Variant type: single nucleotide variant.
Coding change: c.369G>A on transcript NM_014270.5 (MANE Select); coding-DNA position 369, G replaced by A.
Protein change: p.Thr123=; no amino-acid change (threonine 123 retained).
Molecular consequence: synonymous variant.
Genome position (GRCh38, 1-based): chr19:32,864,205, C>T on the plus strand (G>A on the coding strand, the complement: SLC7A9 is on the minus strand). VCF-style: chr19-32864205-C-T. GRCh37 (hg19) VCF-style: chr19-33355111-C-T.
Other names: c.369G>A, p.Thr123= (NM_001126335.2, NM_001243036.2).
Identifiers: ClinVar variation 889753 (VCV000889753.7), dbSNP rs144880180, ClinGen allele CA9358859.